The following is an entry in ClinVar:

NM_015295.3(SMCHD1):c.5396T>G (p.Leu1799Trp)

Gene: SMCHD1 (structural maintenance of chromosomes flexible hinge domain containing 1; plus strand). Cytogenetic location: 18p11.32.
Variant type: single nucleotide variant.
Coding change: c.5396T>G on transcript NM_015295.3 (MANE Select); coding-DNA position 5396, T replaced by G.
Protein change: p.Leu1799Trp; replaces leucine 1799 with tryptophan.
Molecular consequence: missense variant.
Genome position (GRCh38, 1-based): chr18:2,777,835, T>G. VCF-style: chr18-2777835-T-G. GRCh37 (hg19) VCF-style: chr18-2777833-T-G.
Other names: short protein forms L1799W.
Identifiers: ClinVar variation 597572 (VCV000597572.19), dbSNP rs1008517374, ClinGen allele CA295488292.
Genomic context (GRCh38, chr18:2,777,835, plus strand): 5'-TAATATCTTTTTAAAATTTCTTTTTATTTAGATCTCTACCTCATTTCCGAAATGGAAAAT[T>G]GTATTTTAAACCCATTGGAGATCCAGTCTTTGCTCGAGACTTGTTAACATTTCCAGATAA-3'
Protein context (NP_056110.2, residues 1789-1809): RSLPHFRNGK[Leu1799Trp]YFKPIGDPVF

ClinVar aggregate classification (germline): Uncertain significance. Review status: criteria provided, multiple submitters, no conflicts (2 of 4 stars). 4 submissions from 4 submitters: Uncertain significance (4). Last evaluated 2025-05-13.

Conditions:
Inborn genetic diseases. Identifiers: MedGen C0950123, MeSH D030342.
Facioscapulohumeral muscular dystrophy 2 (FSHD2). Also called: MUSCULAR DYSTROPHY, FACIOSCAPULOHUMERAL, TYPE 1B; FACIOSCAPULOHUMERAL MUSCULAR DYSTROPHY 2, DIGENIC; FSHD2, DIGENIC. Identifiers: Orphanet 269, MedGen C1834671, MONDO:0008031, OMIM 158901.

Allele frequency attached by ClinVar (database versions not stated): gnomAD 0.00001; TOPMed 0.00001; gnomAD exomes 0.00002 and 0.00004.
gnomAD v4.1: 26 of 1,543,118 alleles (0.0017%); highest among the groups gnomAD compares: Admixed American, 0.006%; no homozygotes.

Submissions (4):

Labcorp Genetics (formerly Invitae), Labcorp
Classification: Uncertain significance for Facioscapulohumeral muscular dystrophy 2. Last evaluated: 2025-05-13. Review status: criteria provided, single submitter. Criteria: Invitae Variant Classification Sherloc (09022015). Collection method: clinical testing. Allele origin: germline.
Comment: This sequence change replaces leucine, which is neutral and non-polar, with tryptophan, which is neutral and slightly polar, at codon 1799 of the SMCHD1 protein (p.Leu1799Trp). This variant is present in population databases (no rsID available, gnomAD 0.01%). This variant has not been reported in the literature in individuals affected with SMCHD1-related conditions. ClinVar contains an entry for this variant (Variation ID: 597572). Invitae Evidence Modeling of protein sequence and biophysical properties (such as structural, functional, and spatial information, amino acid conservation, physicochemical variation, residue mobility, and thermodynamic stability) indicates that this missense variant is not expected to disrupt SMCHD1 protein function with a negative predictive value of 80%. In summary, the available evidence is currently insufficient to determine the role of this variant in disease. Therefore, it has been classified as a Variant of Uncertain Significance.

Revvity Omics, Revvity
Classification: Uncertain significance. Last evaluated: 2025-05-08. Review status: criteria provided, single submitter. Criteria: ACMG Guidelines, 2015. Collection method: clinical testing. Allele origin: germline.

Ambry Genetics
Classification: Uncertain significance for Inborn genetic diseases. Last evaluated: 2023-04-12. Review status: criteria provided, single submitter. Criteria: Ambry Variant Classification Scheme 2023. Collection method: clinical testing. Allele origin: germline.

Eurofins Ntd Llc (ga)
Classification: Uncertain significance. Last evaluated: 2018-06-20. Review status: criteria provided, single submitter. Criteria: EGL ClinVar v180209 classification definitions. Collection method: clinical testing. Allele origin: germline. Observed: 1 variant allele, 1 heterozygote.